The following is an entry in ClinVar:

ClinVar aggregate classification (germline): Uncertain significance (1 of 4 stars; one submission).

Conditions:
Noonan syndrome 9 (NS9). Identifiers: Orphanet 648, MedGen C4225282, MONDO:0014691, OMIM 616559.

gnomAD v4.1: 1 of 1,605,816 alleles (0.000062%); highest among the groups gnomAD compares: Non-Finnish European, 0.000085%; no homozygotes.

Submission:

Labcorp Genetics (formerly Invitae), Labcorp
Classification: Uncertain significance for Noonan syndrome 9. Last evaluated: 2023-03-08. Review status: criteria provided, single submitter. Criteria: Invitae Variant Classification Sherloc (09022015). Collection method: clinical testing. Allele origin: germline.
Comment: This sequence change replaces cysteine, which is neutral and slightly polar, with serine, which is neutral and polar, at codon 348 of the SOS2 protein (p.Cys348Ser). This variant is not present in population databases (gnomAD no frequency). This variant has not been reported in the literature in individuals affected with SOS2-related conditions. Advanced modeling of protein sequence and biophysical properties (such as structural, functional, and spatial information, amino acid conservation, physicochemical variation, residue mobility, and thermodynamic stability) has been performed at Invitae for this missense variant, however the output from this modeling did not meet the statistical confidence thresholds required to predict the impact of this variant on SOS2 protein function. In summary, the available evidence is currently insufficient to determine the role of this variant in disease. Therefore, it has been classified as a Variant of Uncertain Significance.

NM_006939.4(SOS2):c.1043G>C (p.Cys348Ser)

Gene: SOS2 (SOS Ras/Rho guanine nucleotide exchange factor 2; minus strand). Cytogenetic location: 14q21.3.
Variant type: single nucleotide variant.
Coding change: c.1043G>C on transcript NM_006939.4 (MANE Select); coding-DNA position 1043, G replaced by C.
Protein change: p.Cys348Ser; replaces cysteine 348 with serine.
Molecular consequence: missense variant. On other transcripts: intron variant (1).
Genome position (GRCh38, 1-based): chr14:50,174,479, C>G on the plus strand (G>C on the coding strand, the complement: SOS2 is on the minus strand). VCF-style: chr14-50174479-C-G. GRCh37 (hg19) VCF-style: chr14-50641197-C-G.
Other names: c.969+6093G>C (NM_001411020.1); short protein forms C348S.
Identifiers: ClinVar variation 2715227 (VCV002715227.3), dbSNP rs1885462833, ClinGen allele CA389646729.